The following is an entry in ClinVar:

NM_030662.4(MAP2K2):c.1051A>G (p.Ile351Val)

Gene: MAP2K2 (mitogen-activated protein kinase kinase 2; minus strand). Cytogenetic location: 19p13.3.
Variant type: single nucleotide variant.
Coding change: c.1051A>G on transcript NM_030662.4 (MANE Select); coding-DNA position 1051, A replaced by G.
Protein change: p.Ile351Val; replaces isoleucine 351 with valine.
Molecular consequence: missense variant.
Genome position (GRCh38, 1-based): chr19:4,094,494, T>C on the plus strand (A>G on the coding strand, the complement: MAP2K2 is on the minus strand). VCF-style: chr19-4094494-T-C. GRCh37 (hg19) VCF-style: chr19-4094492-T-C.
Other names: c.772A>G, p.Ile258Val (NM_001440688.1); c.481A>G, p.Ile161Val (NM_001440689.1); short protein forms I351V, I161V, I258V.
Identifiers: ClinVar variation 4103132 (VCV004103132.1).

ClinVar aggregate classification (germline): Uncertain significance (1 of 4 stars; one submission).

Conditions:
Cardiovascular phenotype. Identifiers: MedGen CN230736.

Submission:

Ambry Genetics
Classification: Uncertain significance for Cardiovascular phenotype. Last evaluated: 2025-07-24. Review status: criteria provided, single submitter. Criteria: Ambry Variant Classification Scheme 2023. Collection method: clinical testing. Allele origin: germline.
Comment: The p.I351V variant (also known as c.1051A>G), located in coding exon 10 of the MAP2K2 gene, results from an A to G substitution at nucleotide position 1051. The isoleucine at codon 351 is replaced by valine, an amino acid with highly similar properties. This amino acid position is conserved. In addition, this alteration is predicted to be tolerated by in silico analysis. Based on the available evidence, the clinical significance of this variant remains unclear.